The following is an entry in ClinVar:

ClinVar aggregate classification (germline): Uncertain significance (1 of 4 stars; one submission).

Conditions:
Camptomelic dysplasia (CMPD). Also called: Campomelic Dysplasia; CMPD1/SRA1. Identifiers: Orphanet 140, MedGen C1861922, MONDO:0007251, OMIM 114290.

Allele frequency attached by ClinVar (database versions not stated): gnomAD exomes 0.00001; ExAC 0.00002.
gnomAD v4.1: 3 of 1,600,180 alleles (0.00019%); highest among the groups gnomAD compares: South Asian, 0.0033%; no homozygotes.

Submission:

Labcorp Genetics (formerly Invitae), Labcorp
Classification: Uncertain significance for Camptomelic dysplasia. Last evaluated: 2023-08-09. Review status: criteria provided, single submitter. Criteria: Invitae Variant Classification Sherloc (09022015). Collection method: clinical testing. Allele origin: germline.
Comment: In summary, the available evidence is currently insufficient to determine the role of this variant in disease. Therefore, it has been classified as a Variant of Uncertain Significance. Advanced modeling of protein sequence and biophysical properties (such as structural, functional, and spatial information, amino acid conservation, physicochemical variation, residue mobility, and thermodynamic stability) performed at Invitae indicates that this missense variant is expected to disrupt SOX9 protein function. This variant has not been reported in the literature in individuals affected with SOX9-related conditions. This variant is present in population databases (rs757337660, gnomAD 0.007%). This sequence change replaces proline, which is neutral and non-polar, with serine, which is neutral and polar, at codon 509 of the SOX9 protein (p.Pro509Ser).

NM_000346.4(SOX9):c.1525C>T (p.Pro509Ser)

Gene: SOX9 (SRY-box transcription factor 9; plus strand). Cytogenetic location: 17q24.3.
Variant type: single nucleotide variant.
Coding change: c.1525C>T on transcript NM_000346.4 (MANE Select); coding-DNA position 1525, C replaced by T.
Protein change: p.Pro509Ser; replaces proline 509 with serine.
Molecular consequence: missense variant.
Genome position (GRCh38, 1-based): chr17:72,124,382, C>T. VCF-style: chr17-72124382-C-T. GRCh37 (hg19) VCF-style: chr17-70120523-C-T.
Other names: short protein forms P509S.
Identifiers: ClinVar variation 2845983 (VCV002845983.3), dbSNP rs757337660, ClinGen allele CA8739175.